The following is an entry in ClinVar:

NM_033343.4(LHX4):c.606+4A>G

Genes: ACBD6 (acyl-CoA binding domain containing 6; minus strand), LHX4 (LIM homeobox 4; plus strand), LHX4-AS1 (LHX4 antisense RNA 1; minus strand). Cytogenetic location: 1q25.2.
Variant type: single nucleotide variant.
Coding change: c.606+4A>G on transcript NM_033343.4 (MANE Select); 4 bases into the intron after coding-DNA position 606, A replaced by G.
Molecular consequence: intron variant. On other transcripts: non-coding transcript variant (1).
Genome position (GRCh38, 1-based): chr1:180,271,538, A>G. VCF-style: chr1-180271538-A-G. GRCh37 (hg19) VCF-style: chr1-180240673-A-G.
Identifiers: ClinVar variation 489130 (VCV000489130.2), dbSNP rs1553283805, ClinGen allele CA422053129.

ClinVar aggregate classification (germline): Uncertain significance (1 of 4 stars; one submission).

Submission:

GeneDx
Classification: Uncertain significance. Last evaluated: 2017-11-21. Review status: criteria provided, single submitter. Criteria: GeneDx Variant Classification (06012015). Collection method: clinical testing. Allele origin: germline. Affected: yes.
Comment: The c.606+4A>G variant in the LHX4 gene has not been reported previously as a pathogenic variant nor as a benign variant, to our knowledge. This variant reduces the quality of the splice donor site in intron 4, but is not predicted to appreciably affect splicing by in silico modeling. The c.606+4A>G intronic substitution occurs at a position that is conserved across mammalian species. This variant is not observed in large population cohorts (Lek et al., 2016). We interpret c.606+4A>G as a variant of uncertain significance.